The following is an entry in ClinVar:

NM_003091.4(SNRPB):c.607A>T (p.Met203Leu)

Gene: SNRPB (small nuclear ribonucleoprotein polypeptides B and B1; minus strand). Cytogenetic location: 20p13.
Variant type: single nucleotide variant.
Coding change: c.607A>T on transcript NM_003091.4 (MANE Select); coding-DNA position 607, A replaced by T.
Protein change: p.Met203Leu; replaces methionine 203 with leucine.
Molecular consequence: missense variant.
Genome position (GRCh38, 1-based): chr20:2,462,714, T>A on the plus strand (A>T on the coding strand, the complement: SNRPB is on the minus strand). VCF-style: chr20-2462714-T-A. GRCh37 (hg19) VCF-style: chr20-2443360-T-A.
Other names: c.607A>T, p.Met203Leu (NM_198216.2); c.607A>T (NM_198216.1); short protein forms M203L.
Identifiers: ClinVar variation 2127395 (VCV002127395.5), dbSNP rs771983255, ClinGen allele CA408013401.

ClinVar aggregate classification (germline): Uncertain significance. Review status: criteria provided, multiple submitters, no conflicts (2 of 4 stars). 2 submissions from 2 submitters: Uncertain significance (2). Last evaluated 2024-12-23.

Conditions:
Inborn genetic diseases. Identifiers: MedGen C0950123, MeSH D030342.

Submissions (2):

Ambry Genetics
Classification: Uncertain significance for Inborn genetic diseases. Last evaluated: 2024-12-23. Review status: criteria provided, single submitter. Criteria: Ambry Variant Classification Scheme 2023. Collection method: clinical testing. Allele origin: germline.

Labcorp Genetics (formerly Invitae), Labcorp
Classification: Uncertain significance. Last evaluated: 2022-04-17. Review status: criteria provided, single submitter. Criteria: Invitae Variant Classification Sherloc (09022015). Collection method: clinical testing. Allele origin: germline.
Comment: This variant has not been reported in the literature in individuals affected with SNRPB-related conditions. In summary, the available evidence is currently insufficient to determine the role of this variant in disease. Therefore, it has been classified as a Variant of Uncertain Significance. Algorithms developed to predict the effect of missense changes on protein structure and function are either unavailable or do not agree on the potential impact of this missense change (SIFT: "Tolerated"; PolyPhen-2: "Not Available"; Align-GVGD: "Class C0"). This variant is not present in population databases (gnomAD no frequency). This sequence change replaces methionine, which is neutral and non-polar, with leucine, which is neutral and non-polar, at codon 203 of the SNRPB protein (p.Met203Leu).